The following is an entry in ClinVar:

ClinVar aggregate classification (germline): Pathogenic (1 of 4 stars; one submission).

Conditions:
Dyskeratosis congenita. Identifiers: Orphanet 1775, MedGen C0265965, MONDO:0015780.

Submission:

Labcorp Genetics (formerly Invitae), Labcorp
Classification: Pathogenic for Dyskeratosis congenita. Last evaluated: 2021-02-17. Review status: criteria provided, single submitter. Criteria: Invitae Variant Classification Sherloc (09022015). Collection method: clinical testing. Allele origin: germline.
Comment: This variant has not been reported in the literature in individuals with CTC1-related conditions. This variant is not present in population databases (ExAC no frequency). This sequence change creates a premature translational stop signal (p.Tyr764Cysfs*26) in the CTC1 gene. It is expected to result in an absent or disrupted protein product. Loss-of-function variants in CTC1 are known to be pathogenic (PMID: 22267198, 22387016). For these reasons, this variant has been classified as Pathogenic.

Literature cited by the submitters: PubMed 22267198; PubMed 22387016.

NM_025099.6(CTC1):c.2291_2292del (p.Tyr764fs)

Gene: CTC1 (CST telomere replication complex component 1; minus strand). Cytogenetic location: 17p13.1.
Variant type: Deletion.
Coding change: c.2291_2292del on transcript NM_025099.6 (MANE Select); coding-DNA positions 2291 to 2292, 2 bases deleted (AT; older notation c.2291_2292delAT).
Protein change: p.Tyr764fs; shifts the reading frame from tyrosine 764.
Molecular consequence: frameshift variant. On other transcripts: non-coding transcript variant (1).
Genome position (GRCh38, 1-based): chr17:8,231,996-8,231,997, AT deleted on the plus strand (AT on the coding strand, the reverse complement: CTC1 is on the minus strand); deleting any 2 consecutive bases within chr17:8,231,996-8,231,998 gives the same sequence; the c. name uses the placement nearest the transcript's 3' end. VCF-style (leftmost placement, unchanged base first): chr17-8231995-CAT-C. GRCh37 (hg19) VCF-style: chr17-8135313-CAT-C.
Other names: short protein forms Y764fs.
Identifiers: ClinVar variation 1405899 (VCV001405899.6), dbSNP rs2151509277, ClinGen allele CA2573154551.
Genomic context (GRCh38, chr17:8,231,995, plus strand): 5'-CGGGCAGCCCCCATCCAGTACCCTCCTTCCTCTGGGTGCCCCCAAGCCAGCTCCCCAACA[CAT>C]AGAAACTGAGGGCGGGCTTGGGCACCTCTGGACTTGCTCCTGGGGGGACACAAAAATTAC-3'